The following is an entry in ClinVar:

ClinVar aggregate classification (germline): Uncertain significance (1 of 4 stars; one submission).

Conditions:
Cardiovascular phenotype. Identifiers: MedGen CN230736.

gnomAD v4.1: 3 of 1,613,588 alleles (0.00019%); highest among the groups gnomAD compares: African/African-American, 0.004%; no homozygotes.

Submission:

Ambry Genetics
Classification: Uncertain significance for Cardiovascular phenotype. Last evaluated: 2025-08-30. Review status: criteria provided, single submitter. Criteria: Ambry Variant Classification Scheme 2023. Collection method: clinical testing. Allele origin: germline.
Comment: The p.P1977S variant (also known as c.5929C>T), located in coding exon 16 of the TNXB gene, results from a C to T substitution at nucleotide position 5929. The proline at codon 1977 is replaced by serine, an amino acid with similar properties. This amino acid position is conserved. In addition, this alteration is predicted to be tolerated by in silico analysis. Based on the available evidence, the clinical significance of this variant remains unclear.

NM_001365276.2(TNXB):c.5929C>T (p.Pro1977Ser)

Gene: TNXB (tenascin XB; minus strand). Cytogenetic location: 6p21.33.
Variant type: single nucleotide variant.
Coding change: c.5929C>T on transcript NM_001365276.2 (MANE Select); coding-DNA position 5929, C replaced by T.
Protein change: p.Pro1977Ser; replaces proline 1977 with serine.
Molecular consequence: missense variant.
Genome position (GRCh38, 1-based): chr6:32,068,681, G>A on the plus strand (C>T on the coding strand, the complement: TNXB is on the minus strand). VCF-style: chr6-32068681-G-A. GRCh37 (hg19) VCF-style: chr6-32036458-G-A.
Other names: c.6670C>T, p.Pro2224Ser (NM_001428335.1); c.5929C>T, p.Pro1977Ser (NM_019105.8); short protein forms P1977S, P2224S.
Identifiers: ClinVar variation 3972086 (VCV003972086.2).